The following is an entry in ClinVar:

NM_001365951.3(KIF1B):c.1804C>T (p.Arg602Cys)

Gene: KIF1B (kinesin family member 1B; plus strand). Cytogenetic location: 1p36.22.
Variant type: single nucleotide variant.
Coding change: c.1804C>T on transcript NM_001365951.3 (MANE Select); coding-DNA position 1804, C replaced by T.
Protein change: p.Arg602Cys; replaces arginine 602 with cysteine.
Molecular consequence: missense variant.
Genome position (GRCh38, 1-based): chr1:10,296,608, C>T. VCF-style: chr1-10296608-C-T. GRCh37 (hg19) VCF-style: chr1-10356666-C-T.
Other names: c.1804C>T, p.Arg602Cys (NM_001365952.1); c.1666C>T, p.Arg556Cys (NM_001365953.1, NM_015074.3, NM_183416.4); short protein forms R556C, R602C.
Identifiers: ClinVar variation 1448914 (VCV001448914.12), dbSNP rs767848662, ClinGen allele CA581093.
Genomic context (GRCh38, chr1:10,296,608, plus strand): 5'-AATGATAACATTAGTTTGTGTTTGTTCCTCTTAGTTATCGTGACCTTAGAGCCCTGTGAG[C>T]GCTCAGAAACCTACGTAAATGGCAAGAGGGTGTCCCAGCCTGTTCAGCTGCGCTCAGGTG-3'
Protein context (NP_001352880.1, residues 592-612): EVIVTLEPCE[Arg602Cys]SETYVNGKRV

ClinVar aggregate classification (germline): Uncertain significance. Review status: criteria provided, multiple submitters, no conflicts (2 of 4 stars). 3 submissions from 3 submitters: Uncertain significance (3). Last evaluated 2025-07-10.

Conditions:
Charcot-Marie-Tooth disease type 2A1. Also called: CHARCOT-MARIE-TOOTH DISEASE, AXONAL, TYPE 2A1; CHARCOT-MARIE-TOOTH DISEASE, AXONAL, AUTOSOMAL DOMINANT, TYPE 2A1; CHARCOT-MARIE-TOOTH DISEASE, NEURONAL, TYPE 2A1; CHARCOT-MARIE-TOOTH NEUROPATHY, TYPE 2A1; HEREDITARY MOTOR AND SENSORY NEUROPATHY IIA1. Identifiers: Orphanet 99946, MedGen C1861678, MONDO:0007308, OMIM 118210.
Neuroblastoma, susceptibility to, 1. Identifiers: MedGen C2749485, MONDO:0009741, OMIM 256700.
Charcot-Marie-Tooth disease type 2. Also called: Charcot-Marie-Tooth type 2. Identifiers: Orphanet 64746, MedGen C0270914, MONDO:0018993.

Allele frequency attached by ClinVar (database versions not stated): ExAC 0.00002; gnomAD exomes 0.00002.
gnomAD v4.1: 29 of 1,613,758 alleles (0.0018%); highest among the groups gnomAD compares: Non-Finnish European, 0.0024%; no homozygotes.

Submissions (3):

Ambry Genetics
Classification: Uncertain significance. Last evaluated: 2025-07-10. Review status: criteria provided, single submitter. Criteria: Ambry Variant Classification Scheme 2023. Collection method: clinical testing. Allele origin: germline.
Comment: The p.R556C variant (also known as c.1666C>T), located in coding exon 17 of the KIF1B gene, results from a C to T substitution at nucleotide position 1666. The arginine at codon 556 is replaced by cysteine, an amino acid with highly dissimilar properties. This amino acid position is not well conserved in available vertebrate species. In addition, the in silico prediction for this alteration is inconclusive. Since supporting evidence is limited at this time, the clinical significance of this alteration remains unclear.

Fulgent Genetics
Classification: Uncertain significance for Charcot-Marie-Tooth disease type 2A1; Neuroblastoma, susceptibility to, 1. Last evaluated: 2023-12-28. Review status: criteria provided, single submitter. Criteria: ACMG Guidelines, 2015. Collection method: clinical testing. Allele origin: germline.

Labcorp Genetics (formerly Invitae), Labcorp
Classification: Uncertain significance for Charcot-Marie-Tooth disease type 2. Last evaluated: 2021-03-11. Review status: criteria provided, single submitter. Criteria: Invitae Variant Classification Sherloc (09022015). Collection method: clinical testing. Allele origin: germline.
Comment: Algorithms developed to predict the effect of missense changes on protein structure and function are either unavailable or do not agree on the potential impact of this missense change (SIFT: "Tolerated"; PolyPhen-2: "Possibly Damaging"; Align-GVGD: "Class C0"). This variant has not been reported in the literature in individuals with KIF1B-related conditions. This variant is present in population databases (rs767848662, ExAC 0.005%). This sequence change replaces arginine with cysteine at codon 556 of the KIF1B protein (p.Arg556Cys). The arginine residue is moderately conserved and there is a large physicochemical difference between arginine and cysteine. In summary, the available evidence is currently insufficient to determine the role of this variant in disease. Therefore, it has been classified as a Variant of Uncertain Significance.